The following is an entry in ClinVar:

NM_032108.4(SEMA6B):c.1462C>T (p.Arg488Trp)

Gene: SEMA6B (semaphorin 6B; minus strand). Cytogenetic location: 19p13.3.
Variant type: single nucleotide variant.
Coding change: c.1462C>T on transcript NM_032108.4 (MANE Select); coding-DNA position 1462, C replaced by T.
Protein change: p.Arg488Trp; replaces arginine 488 with tryptophan.
Molecular consequence: missense variant.
Genome position (GRCh38, 1-based): chr19:4,548,166, G>A on the plus strand (C>T on the coding strand, the complement: SEMA6B is on the minus strand). VCF-style: chr19-4548166-G-A. GRCh37 (hg19) VCF-style: chr19-4548178-G-A.
Other names: c.1462C>T (NM_032108.3); short protein forms R488W.
Identifiers: ClinVar variation 2649071 (VCV002649071.24), dbSNP rs746708174, ClinGen allele CA9102453.

ClinVar aggregate classification (germline): Likely benign. Review status: criteria provided, multiple submitters, no conflicts (2 of 4 stars). 2 submissions from 2 submitters: Likely benign (2). Last evaluated 2025-11-13.

Conditions:
Inborn genetic diseases. Identifiers: MedGen C0950123, MeSH D030342.

Allele frequency attached by ClinVar (database versions not stated): TOPMed 0.00004; ExAC 0.00005; gnomAD 0.00007.
gnomAD v4.1: 144 of 1,590,526 alleles (0.0091%); highest among the groups gnomAD compares: East Asian, 0.014%; no homozygotes.

Submissions (2):

Ambry Genetics
Classification: Likely benign for Inborn genetic diseases. Last evaluated: 2025-11-13. Review status: criteria provided, single submitter. Criteria: Ambry Variant Classification Scheme 2023. Collection method: clinical testing. Allele origin: germline.

CeGaT Center for Human Genetics Tuebingen
Classification: Likely benign. Last evaluated: 2023-10-01. Review status: criteria provided, single submitter. Criteria: CeGaT Center For Human Genetics Tuebingen Variant Classification Criteria Version 2. Collection method: clinical testing. Allele origin: germline. Affected: yes. Observed: 1 variant allele.
Comment: SEMA6B: BP4, BS2